The following is an entry in ClinVar:

ClinVar aggregate classification (germline): Uncertain significance (1 of 4 stars; one submission).

Submission:

Labcorp Genetics (formerly Invitae), Labcorp
Classification: Uncertain significance. Last evaluated: 2022-12-08. Review status: criteria provided, single submitter. Criteria: Invitae Variant Classification Sherloc (09022015). Collection method: clinical testing. Allele origin: germline.
Comment: This variant is not present in population databases (gnomAD no frequency). This sequence change replaces alanine, which is neutral and non-polar, with proline, which is neutral and non-polar, at codon 126 of the SLC7A9 protein (p.Ala126Pro). This variant has not been reported in the literature in individuals affected with SLC7A9-related conditions. Advanced modeling of protein sequence and biophysical properties (such as structural, functional, and spatial information, amino acid conservation, physicochemical variation, residue mobility, and thermodynamic stability) performed at Invitae indicates that this missense variant is expected to disrupt SLC7A9 protein function. In summary, the available evidence is currently insufficient to determine the role of this variant in disease. Therefore, it has been classified as a Variant of Uncertain Significance. This variant disrupts the p.Ala126 amino acid residue in SLC7A9. Other variant(s) that disrupt this residue have been determined to be pathogenic (PMID: 11157794, 28812535, 33262960). This suggests that this residue is clinically significant, and that variants that disrupt this residue are likely to be disease-causing.

Literature cited by the submitters: PubMed 11157794; PubMed 28812535; PubMed 33262960.

NM_014270.5(SLC7A9):c.376G>C (p.Ala126Pro)

Gene: SLC7A9 (solute carrier family 7 member 9; minus strand). Cytogenetic location: 19q13.11.
Variant type: single nucleotide variant.
Coding change: c.376G>C on transcript NM_014270.5 (MANE Select); coding-DNA position 376, G replaced by C.
Protein change: p.Ala126Pro; replaces alanine 126 with proline.
Molecular consequence: missense variant.
Genome position (GRCh38, 1-based): chr19:32,864,198, C>G on the plus strand (G>C on the coding strand, the complement: SLC7A9 is on the minus strand). VCF-style: chr19-32864198-C-G. GRCh37 (hg19) VCF-style: chr19-33355104-C-G.
Other names: c.376G>C, p.Ala126Pro (NM_001126335.2, NM_001243036.2); short protein forms A126P.
Identifiers: ClinVar variation 2819368 (VCV002819368.3), dbSNP rs372306844, ClinGen allele CA405203591.